The following is an entry in ClinVar:

ClinVar aggregate classification (germline): Uncertain significance. Review status: criteria provided, multiple submitters, no conflicts (2 of 4 stars). 2 submissions from 2 submitters: Uncertain significance (2). Last evaluated 2024-12-06.

Conditions:
TRPC5-related disorder. Also called: TRPC5-related condition.

Allele frequency attached by ClinVar (database versions not stated): gnomAD exomes below 0.00001; gnomAD 0.00001; TOPMed 0.00001.
gnomAD v4.1: 2 of 1,209,509 alleles (0.00017%); highest among the groups gnomAD compares: Non-Finnish European, 0.00022%; no homozygotes.

Submissions (2):

PreventionGenetics, part of Exact Sciences
Classification: Uncertain significance for TRPC5-related condition. Last evaluated: 2024-12-06. Review status: criteria provided, single submitter. Criteria: ACMG Guidelines, 2015. Collection method: clinical testing. Allele origin: germline.
Comment: The TRPC5 c.2043C>A variant is predicted to result in the amino acid substitution p.Phe681Leu. To our knowledge, this variant has not been reported in the literature or in a large population database (gnomAD), indicating it is rare. At this time, the clinical significance of this variant is uncertain due to the absence of conclusive functional and genetic evidence.

Ambry Genetics
Classification: Uncertain significance. Last evaluated: 2022-11-30. Review status: criteria provided, single submitter. Criteria: Ambry Variant Classification Scheme 2023. Collection method: clinical testing. Allele origin: germline.

NM_012471.3(TRPC5):c.2043C>A (p.Phe681Leu)

Gene: TRPC5 (transient receptor potential cation channel subfamily C member 5; minus strand). Cytogenetic location: Xq23.
Variant type: single nucleotide variant.
Coding change: c.2043C>A on transcript NM_012471.3 (MANE Select); coding-DNA position 2043, C replaced by A.
Protein change: p.Phe681Leu; replaces phenylalanine 681 with leucine.
Molecular consequence: missense variant.
Genome position (GRCh38, 1-based): chrX:111,781,992, G>T on the plus strand (C>A on the coding strand, the complement: TRPC5 is on the minus strand). VCF-style: chrX-111781992-G-T. GRCh37 (hg19) VCF-style: chrX-111025220-G-T.
Other names: short protein forms F681L.
Identifiers: ClinVar variation 2330025 (VCV002330025.3), dbSNP rs1945923776, ClinGen allele CA414297821.